The following is an entry in ClinVar:

NM_001939.3(DRP2):c.1977+6A>C

Gene: DRP2 (dystrophin related protein 2; plus strand). Cytogenetic location: Xq22.1.
Variant type: single nucleotide variant.
Coding change: c.1977+6A>C on transcript NM_001939.3 (MANE Select); 6 bases into the intron after coding-DNA position 1977, A replaced by C.
Molecular consequence: intron variant.
Genome position (GRCh38, 1-based): chrX:101,252,722, A>C. VCF-style: chrX-101252722-A-C. GRCh37 (hg19) VCF-style: chrX-100507711-A-C.
Other names: c.1743+6A>C (NM_001171184.2).
Identifiers: ClinVar variation 2714401 (VCV002714401.3), dbSNP rs2520284694, ClinGen allele CA2697544641.

ClinVar aggregate classification (germline): Uncertain significance (1 of 4 stars; one submission).

Submission:

Labcorp Genetics (formerly Invitae), Labcorp
Classification: Uncertain significance. Last evaluated: 2024-01-31. Review status: criteria provided, single submitter. Criteria: Invitae Variant Classification Sherloc (09022015). Collection method: clinical testing. Allele origin: germline.
Comment: This sequence change falls in intron 17 of the DRP2 gene. It does not directly change the encoded amino acid sequence of the DRP2 protein. It affects a nucleotide within the consensus splice site. This variant is not present in population databases (gnomAD no frequency). This variant has not been reported in the literature in individuals affected with DRP2-related conditions. Variants that disrupt the consensus splice site are a relatively common cause of aberrant splicing (PMID: 17576681, 9536098). Algorithms developed to predict the effect of sequence changes on RNA splicing suggest that this variant is not likely to affect RNA splicing. In summary, the available evidence is currently insufficient to determine the role of this variant in disease. Therefore, it has been classified as a Variant of Uncertain Significance.

Literature cited by the submitters: PubMed 17576681; PubMed 9536098.